The following is an entry in ClinVar:

ClinVar aggregate classification (germline): Pathogenic (1 of 4 stars; one submission).

Submission:

Labcorp Genetics (formerly Invitae), Labcorp
Classification: Pathogenic. Last evaluated: 2023-04-17. Review status: criteria provided, single submitter. Criteria: Invitae Variant Classification Sherloc (09022015). Collection method: clinical testing. Allele origin: unknown.
Comment: For these reasons, this variant has been classified as Pathogenic. This variant disrupts a region of the ADGRV1 protein in which other variant(s) (p.Leu6261Ser) have been determined to be pathogenic (PMID: 22135276). This suggests that this is a clinically significant region of the protein, and that variants that disrupt it are likely to be disease-causing. This variant has not been reported in the literature in individuals affected with ADGRV1-related conditions. This variant is a gross deletion of the genomic region encompassing exon(s) 89-90 of the ADGRV1 gene, which includes the termination codon. This deletion extends beyond the assayed region for this gene and therefore may encompass additional genes. While this deletion is not anticipated to lead to nonsense mediated decay, it is expected to alter mRNA translation or result in a truncated protein product.

Literature cited by the submitters: PubMed 22135276.

NC_000005.9:g.(?_90449018)_(90459717_?)del

Gene: ADGRV1 (adhesion G protein-coupled receptor V1; plus strand). Cytogenetic location: 5q14.3.
Variant type: Deletion.
Identifiers: ClinVar variation 3246554 (VCV003246554.1).